The following is an entry in ClinVar:

ClinVar aggregate classification (germline): Uncertain significance. Review status: criteria provided, multiple submitters, no conflicts (2 of 4 stars). 2 submissions from 2 submitters: Uncertain significance (2). Last evaluated 2025-09-09.

Submissions (2):

Labcorp Genetics (formerly Invitae), Labcorp
Classification: Uncertain significance. Last evaluated: 2025-09-09. Review status: criteria provided, single submitter. Criteria: Invitae Variant Classification Sherloc (09022015). Collection method: clinical testing. Allele origin: germline.
Comment: This sequence change replaces leucine, which is neutral and non-polar, with valine, which is neutral and non-polar, at codon 33 of the GEN1 protein (p.Leu33Val). This variant is not present in population databases (gnomAD no frequency). This variant has not been reported in the literature in individuals affected with GEN1-related conditions. ClinVar contains an entry for this variant (Variation ID: 3519774). An algorithm developed to predict the effect of missense changes on protein structure and function outputs the following: PolyPhen-2: "Benign". The valine amino acid residue is found in multiple mammalian species, which suggests that this missense change does not adversely affect protein function. In summary, the available evidence is currently insufficient to determine the role of this variant in disease. Therefore, it has been classified as a Variant of Uncertain Significance.

Ambry Genetics
Classification: Uncertain significance. Last evaluated: 2024-12-08. Review status: criteria provided, single submitter. Criteria: Ambry Variant Classification Scheme 2023. Collection method: clinical testing. Allele origin: germline.
Comment: The p.L33V variant (also known as c.97C>G), located in coding exon 1 of the GEN1 gene, results from a C to G substitution at nucleotide position 97. The leucine at codon 33 is replaced by valine, an amino acid with highly similar properties. This amino acid position is conserved. In addition, this alteration is predicted to be tolerated by in silico analysis. Based on the available evidence, the clinical significance of this variant remains unclear.

NM_001130009.3(GEN1):c.97C>G (p.Leu33Val)

Gene: GEN1 (GEN1 structure-specific endonuclease; plus strand). Cytogenetic location: 2p24.2.
Variant type: single nucleotide variant.
Coding change: c.97C>G on transcript NM_001130009.3 (MANE Select); coding-DNA position 97, C replaced by G.
Protein change: p.Leu33Val; replaces leucine 33 with valine.
Molecular consequence: missense variant.
Genome position (GRCh38, 1-based): chr2:17,760,040, C>G. VCF-style: chr2-17760040-C-G. GRCh37 (hg19) VCF-style: chr2-17941307-C-G.
Other names: c.97C>G, p.Leu33Val (NM_182625.5); short protein forms L33V.
Identifiers: ClinVar variation 3519774 (VCV003519774.2).